The following is an entry in ClinVar:

NM_176824.3(BBS7):c.640G>C (p.Gly214Arg)

Gene: BBS7 (Bardet-Biedl syndrome 7; minus strand). Cytogenetic location: 4q27.
Variant type: single nucleotide variant.
Coding change: c.640G>C on transcript NM_176824.3 (MANE Select); coding-DNA position 640, G replaced by C.
Protein change: p.Gly214Arg; replaces glycine 214 with arginine.
Molecular consequence: missense variant.
Genome position (GRCh38, 1-based): chr4:121,854,782, C>G on the plus strand (G>C on the coding strand, the complement: BBS7 is on the minus strand). VCF-style: chr4-121854782-C-G. GRCh37 (hg19) VCF-style: chr4-122775937-C-G.
Other names: c.640G>C, p.Gly214Arg (NM_018190.4); short protein forms G214R.
Identifiers: ClinVar variation 1705662 (VCV001705662.1), dbSNP rs1226167451, ClinGen allele CA358066059.

ClinVar aggregate classification (germline): Uncertain significance (1 of 4 stars; one submission).

Conditions:
Bardet-Biedl syndrome 7 (BBS7). Identifiers: Orphanet 110, MedGen C1859565, MONDO:0014435, OMIM 615984.

Submission:

3billion
Classification: Uncertain significance for Bardet-Biedl syndrome 7. Last evaluated: 2022-09-01. Review status: criteria provided, single submitter. Criteria: ACMG Guidelines, 2015. Collection method: clinical testing. Allele origin: germline. Affected: yes. Observed: 1 homozygote.
Comment: The variant is not observed in the gnomAD v2.1.1 dataset. In silico tool predictions suggest damaging effect of the variant on gene or gene product (REVEL: 0.87; 3Cnet: 0.85). The variant is classified as uncertain significance according to the recommendation of ACMG/AMP guideline.